The following is an entry in ClinVar:

NM_133433.4(NIPBL):c.1786_1790del (p.Asn595_His596insTer)

Gene: NIPBL (NIPBL cohesin loading factor; plus strand). Cytogenetic location: 5p13.2.
Variant type: Deletion.
Coding change: c.1786_1790del on transcript NM_133433.4 (MANE Select); coding-DNA positions 1786 to 1790, 5 bases deleted (CATCC; older notation c.1786_1790delCATCC).
Protein change: p.Asn595_His596insTer.
Molecular consequence: nonsense.
Genome position (GRCh38, 1-based): chr5:36,984,966-36,984,970, CATCC deleted; deleting any 5 consecutive bases within chr5:36,984,965-36,984,970 gives the same sequence; the c. name uses the placement nearest the transcript's 3' end. VCF-style (leftmost placement, unchanged base first): chr5-36984964-ACCATC-A. GRCh37 (hg19) VCF-style: chr5-36985066-ACCATC-A.
Other names: c.1786_1790del, p.Asn595_His596insTer (NM_015384.5).
Identifiers: ClinVar variation 1379181 (VCV001379181.6), dbSNP rs2149643596, ClinGen allele CA2573139682.

ClinVar aggregate classification (germline): Pathogenic (1 of 4 stars; one submission).

Conditions:
Cornelia de Lange syndrome 1 (CDLS1). Also called: Brachmann de Lange syndrome; NIPBL-Related Cornelia de Lange Syndrome; TYPUS DEGENERATIVUS AMSTELODAMENSIS. Identifiers: Orphanet 199, MedGen C4551851, MONDO:0007387, OMIM 122470.

Submission:

Labcorp Genetics (formerly Invitae), Labcorp
Classification: Pathogenic for Cornelia de Lange syndrome 1. Last evaluated: 2021-08-23. Review status: criteria provided, single submitter. Criteria: Invitae Variant Classification Sherloc (09022015). Collection method: clinical testing. Allele origin: germline.
Comment: This sequence change creates a premature translational stop signal (p.His596*) in the NIPBL gene. It is expected to result in an absent or disrupted protein product. Loss-of-function variants in NIPBL are known to be pathogenic (PMID: 15318302, 19763162, 23505322, 29995837). This variant is not present in population databases (ExAC no frequency). This variant has not been reported in the literature in individuals affected with NIPBL-related conditions. For these reasons, this variant has been classified as Pathogenic.

Literature cited by the submitters: PubMed 15318302; PubMed 19763162; PubMed 23505322; PubMed 29995837.